The following is an entry in ClinVar:

NM_002386.4(MC1R):c.517GTC[1] (p.Val174del)

Gene: MC1R (melanocortin 1 receptor; plus strand). Cytogenetic location: 16q24.3.
Variant type: Microsatellite.
Coding change: c.517GTC[1] on transcript NM_002386.4 (MANE Select); one copy of the 3-base unit GTC starting at c.517; the reference has two copies in a row; one copy, 3 bases deleted.
Protein change: p.Val174del; deletes valine 174.
Molecular consequence: inframe deletion.
Genome position (GRCh38, 1-based): chr16:89,919,778-89,919,780, GTC deleted; deleting any 3 consecutive bases within chr16:89,919,775-89,919,780 gives the same sequence; the position shown is the placement nearest the transcript's 3' end. VCF-style (leftmost placement, unchanged base first): chr16-89919774-TGTC-T. GRCh37 (hg19) VCF-style: chr16-89986182-TGTC-T.
Other names: c.520_522delGTC (NM_002386.3); short protein forms V174del.
Identifiers: ClinVar variation 548660 (VCV000548660.10), dbSNP rs747777879, ClinGen allele CA8255638.

ClinVar aggregate classification (germline): Uncertain significance. Review status: criteria provided, multiple submitters, no conflicts (2 of 4 stars). 4 submissions from 4 submitters: Uncertain significance (2). 2 of the submissions do not count toward it. Last evaluated 2024-12-05.

Conditions:
Tyrosinase-positive oculocutaneous albinism (OCA2). Also called: Albinism, oculocutaneous, type II; Oculocutaneous albinism type 2; ALBINISM II. Identifiers: Orphanet 79432, MedGen C0268495, MONDO:0008746, OMIM 203200.
Melanoma, cutaneous malignant, susceptibility to, 5. Also called: Cutaneous malignant melanoma 5. Identifiers: Orphanet 618, MedGen C2751295, MONDO:0013133, OMIM 613099.
Skin and Hair Hypopigmentation.
Hereditary cancer-predisposing syndrome. Also called: Neoplastic Syndromes, Hereditary; Tumor predisposition; Hereditary neoplastic syndrome; Hereditary Cancer Syndrome. Identifiers: Orphanet 140162, MedGen C0027672, MeSH D009386, MONDO:0015356.

Submissions (4):

Labcorp Genetics (formerly Invitae), Labcorp
Classification: Uncertain significance for Melanoma, cutaneous malignant, susceptibility to, 5. Last evaluated: 2024-12-05. Review status: criteria provided, single submitter. Criteria: Invitae Variant Classification Sherloc (09022015). Collection method: clinical testing. Allele origin: germline.
Comment: This variant, c.520_522del, results in the deletion of 1 amino acid(s) of the MC1R protein (p.Val174del), but otherwise preserves the integrity of the reading frame. This variant is present in population databases (rs747777879, gnomAD 0.05%). This variant has been observed in individual(s) with melanoma or hypopigmentation (PMID: 15221796, 26197705). Algorithms developed to predict the effect of variants on gene product structure and function are not available or were not evaluated for this variant. Experimental studies have shown that this variant affects MC1R function (PMID: 26197705). In summary, the available evidence is currently insufficient to determine the role of this variant in disease. Therefore, it has been classified as a Variant of Uncertain Significance.

Hereditary Cancer Laboratory, Hospital Universitario 12 de Octubre
Classification: Uncertain significance for Hereditary cancer-predisposing syndrome. Last evaluated: 2024-09-11. Review status: criteria provided, single submitter. Criteria: ACMG Guidelines, 2015. Collection method: clinical testing. Allele origin: germline.

University of Washington Center for Mendelian Genomics, University of Washington
Classification: Likely pathogenic for Skin and Hair Hypopigmentation. Last evaluated: 2015-09-22. Review status: no assertion criteria provided. Collection method: research. Allele origin: unknown. Affected: yes. Not counted in ClinVar's aggregate classification.

Yale Center for Mendelian Genomics, Yale University
Classification: Likely pathogenic for Tyrosinase-positive oculocutaneous albinism. Last evaluated: 2015-09-22. Review status: no assertion criteria provided. Collection method: literature only. Allele origin: germline. Affected: yes. Observed: 7 homozygotes. Not counted in ClinVar's aggregate classification.

Literature cited by the submitters: PubMed 15221796 (cited by Labcorp Genetics (formerly Invitae), Labcorp); PubMed 26197705 (cited by 3 submitters).